The following is an entry in ClinVar:

NM_001122659.3(EDNRB):c.1273G>C (p.Ala425Pro)

Genes: EDNRB (endothelin receptor type B; minus strand), EDNRB-AS1 (EDNRB antisense RNA 1; plus strand). Cytogenetic location: 13q22.3.
Variant type: single nucleotide variant.
Coding change: c.1273G>C on transcript NM_001122659.3 (MANE Select); coding-DNA position 1273, G replaced by C.
Protein change: p.Ala425Pro; replaces alanine 425 with proline.
Molecular consequence: missense variant. On other transcripts: intron variant (1).
Genome position (GRCh38, 1-based): chr13:77,898,256, C>G on the plus strand (G>C on the coding strand, the complement: EDNRB is on the minus strand). VCF-style: chr13-77898256-C-G. GRCh37 (hg19) VCF-style: chr13-78472391-C-G.
Other names: c.1543G>C, p.Ala515Pro (NM_001201397.2); c.1194+1603G>C (NM_003991.4); c.1273G>C, p.Ala425Pro (NM_000115.5); short protein forms A425P, A515P.
Identifiers: ClinVar variation 2802763 (VCV002802763.3), dbSNP rs771239282, ClinGen allele CA7012148.

ClinVar aggregate classification (germline): Uncertain significance (1 of 4 stars; one submission).

Allele frequency attached by ClinVar (database versions not stated): ExAC 0.00001; gnomAD exomes 0.00001; gnomAD 0.00001.

Submission:

Labcorp Genetics (formerly Invitae), Labcorp
Classification: Uncertain significance. Last evaluated: 2023-11-24. Review status: criteria provided, single submitter. Criteria: Invitae Variant Classification Sherloc (09022015). Collection method: clinical testing. Allele origin: germline.
Comment: This sequence change replaces alanine, which is neutral and non-polar, with proline, which is neutral and non-polar, at codon 425 of the EDNRB protein (p.Ala425Pro). This variant is present in population databases (rs771239282, gnomAD 0.003%). This variant has not been reported in the literature in individuals affected with EDNRB-related conditions. An algorithm developed to predict the effect of missense changes on protein structure and function (PolyPhen-2) suggests that this variant is likely to be disruptive. In summary, the available evidence is currently insufficient to determine the role of this variant in disease. Therefore, it has been classified as a Variant of Uncertain Significance.